The following is an entry in ClinVar:

NM_012234.7(RYBP):c.132C>G (p.Cys44Trp)

Gene: RYBP (RING1 and YY1 binding protein; minus strand). Cytogenetic location: 3p13.
Variant type: single nucleotide variant.
Coding change: c.132C>G on transcript NM_012234.7 (MANE Select); coding-DNA position 132, C replaced by G.
Protein change: p.Cys44Trp; replaces cysteine 44 with tryptophan.
Molecular consequence: missense variant.
Genome position (GRCh38, 1-based): chr3:72,446,522, G>C on the plus strand (C>G on the coding strand, the complement: RYBP is on the minus strand). VCF-style: chr3-72446522-G-C. GRCh37 (hg19) VCF-style: chr3-72495673-G-C.
Other names: p.Cys44Trp; short protein forms C44W.
Identifiers: ClinVar variation 3906932 (VCV003906932.1).
Genomic context (GRCh38, chr3:72,446,522, plus strand): 5'-CCTTTAACAAAAGGTAACACAGATCTTCAAGTACCTGGTGGAGGTGCCTTTCCTCACATC[G>C]CAGATGCTGCATTTAAAGGCTTCAGCACTGTTTCTGAAGGTGCAGACGCTACAATCCCAA-3'
Protein context (NP_036366.3, residues 34-54): NSAEAFKCSI[Cys44Trp]DVRKGTSTRK

ClinVar aggregate classification (germline): Uncertain significance (1 of 4 stars; one submission).

Conditions:
RYBP-related condition.

Submission:

Undiagnosed Diseases Network, NIH
Classification: Uncertain significance for RYBP-related condition. Last evaluated: 2017-07-15. Review status: criteria provided, single submitter. Criteria: ACMG Guidelines, 2015. Collection method: clinical testing. Allele origin: de novo. Inheritance: Autosomal dominant inheritance. Affected: yes. Observed: 1 variant allele, 1 heterozygote. Study: Undiagnosed Diseases Network (NIH), UDN.
Comment: Variant observed in cis with the p.Ser42= variant.

Literature cited by the submitters: PubMed 39891528.